The following is an entry in ClinVar:

NM_003504.5(CDC45):c.1525A>G (p.Ile509Val)

Gene: CDC45 (cell division cycle 45; plus strand). Cytogenetic location: 22q11.21.
Variant type: single nucleotide variant.
Coding change: c.1525A>G on transcript NM_003504.5 (MANE Select); coding-DNA position 1525, A replaced by G.
Protein change: p.Ile509Val; replaces isoleucine 509 with valine.
Molecular consequence: missense variant. On other transcripts: non-coding transcript variant (1).
Genome position (GRCh38, 1-based): chr22:19,516,611, A>G. VCF-style: chr22-19516611-A-G. GRCh37 (hg19) VCF-style: chr22-19504134-A-G.
Other names: c.1621A>G, p.Ile541Val (NM_001178010.2); c.1387A>G, p.Ile463Val (NM_001178011.2); c.1489A>G, p.Ile497Val (NM_001369291.1); short protein forms I497V, I509V, I463V, I541V.
Identifiers: ClinVar variation 1033360 (VCV001033360.4), dbSNP rs144764074, ClinGen allele CA10101471.
Genomic context (GRCh38, chr22:19,516,611, plus strand): 5'-CTGCCCCTGGTGATGGCTGCCCCCCTGAGCATGGAGCATGGCACAGTGACCGTGGTGGGC[A>G]TCCCCCCAGAGACCGACAGCTCGGACAGGAAGAAGTGAGCAGCTTCCACTCGTCCTGGGA-3'
Protein context (NP_003495.1, residues 499-519): MEHGTVTVVG[Ile509Val]PPETDSSDRK

ClinVar aggregate classification (germline): Uncertain significance. Review status: criteria provided, multiple submitters, no conflicts (2 of 4 stars). 3 submissions from 3 submitters: Uncertain significance (3). Last evaluated 2022-09-07.

Conditions:
Meier-Gorlin syndrome 7. Identifiers: Orphanet 2554, MedGen C4310738, MONDO:0014894, OMIM 617063. Disease mechanism: loss of function.

Allele frequency attached by ClinVar (database versions not stated): ExAC 0.00017; gnomAD exomes 0.00019 and 0.00022; ESP Exome Variant Server 0.00023; gnomAD 0.00043 and 0.00044; TOPMed 0.00047; 1000 Genomes Project 0.00060; 1000 Genomes Project 30x 0.00078.
gnomAD v4.1: 373 of 1,613,890 alleles (0.023%); highest among the groups gnomAD compares: Middle Eastern, 0.16%; no homozygotes.

Submissions (3):

Labcorp Genetics (formerly Invitae), Labcorp
Classification: Uncertain significance. Last evaluated: 2022-09-07. Review status: criteria provided, single submitter. Criteria: Invitae Variant Classification Sherloc (09022015). Collection method: clinical testing. Allele origin: germline.
Comment: This sequence change replaces isoleucine, which is neutral and non-polar, with valine, which is neutral and non-polar, at codon 541 of the CDC45 protein (p.Ile541Val). This variant is present in population databases (rs144764074, gnomAD 0.08%). This variant has not been reported in the literature in individuals affected with CDC45-related conditions. ClinVar contains an entry for this variant (Variation ID: 1033360). Algorithms developed to predict the effect of missense changes on protein structure and function output the following: SIFT: "Deleterious"; PolyPhen-2: "Benign"; Align-GVGD: "Class C25". The valine amino acid residue is found in multiple mammalian species, which suggests that this missense change does not adversely affect protein function. In summary, the available evidence is currently insufficient to determine the role of this variant in disease. Therefore, it has been classified as a Variant of Uncertain Significance.

Baylor Genetics
Classification: Uncertain significance for Meier-Gorlin syndrome 7. Last evaluated: 2018-01-30. Review status: criteria provided, single submitter. Criteria: ACMG Guidelines, 2015. Collection method: clinical testing. Allele origin: paternal. Affected: yes.
Comment: This variant was determined to be of uncertain significance according to ACMG Guidelines, 2015 [PMID:25741868].

Breakthrough Genomics
Classification: Uncertain significance. Review status: criteria provided, single submitter. Criteria: ACMG Guidelines, 2015. Collection method: not provided. Allele origin: germline. Inheritance: Autosomal dominant inheritance. Affected: yes.